The following is an entry in ClinVar:

ClinVar aggregate classification (germline): Likely benign. Review status: criteria provided, multiple submitters, no conflicts (2 of 4 stars). 3 submissions from 3 submitters: Likely benign (3). Last evaluated 2025-07-17.

Conditions:
SATB2-related disorder. Also called: SATB2-related condition.
Chromosome 2q32-q33 deletion syndrome (GLASS). Also called: 2q33.1 deletion syndrome; Glass syndrome. Identifiers: Orphanet 251019, MedGen C2676739, MONDO:0012864, OMIM 612313.

Allele frequency attached by ClinVar (database versions not stated): gnomAD exomes 0.00001; TOPMed 0.00001; ExAC 0.00002; gnomAD 0.00002; ESP Exome Variant Server 0.00008.
gnomAD v4.1: 46 of 1,614,046 alleles (0.0028%); highest among the groups gnomAD compares: Non-Finnish European, 0.0036%; no homozygotes.

Submissions (3):

PreventionGenetics, part of Exact Sciences
Classification: Likely benign for SATB2-related condition. Last evaluated: 2025-07-17. Review status: criteria provided, single submitter. Criteria: ACMG Guidelines, 2015. Collection method: clinical testing. Allele origin: germline.
Comment: This variant is classified as likely benign based on ACMG/AMP sequence variant interpretation guidelines (Richards et al. 2015 PMID: 25741868, with internal and published modifications).

Labcorp Genetics (formerly Invitae), Labcorp
Classification: Likely benign for Chromosome 2q32-q33 deletion syndrome. Last evaluated: 2024-08-14. Review status: criteria provided, single submitter. Criteria: Invitae Variant Classification Sherloc (09022015). Collection method: clinical testing. Allele origin: germline.

GeneDx
Classification: Likely benign. Last evaluated: 2020-07-28. Review status: criteria provided, single submitter. Criteria: GeneDx Variant Classification Process June 2021. Collection method: clinical testing. Allele origin: germline. Affected: yes.

NM_001172509.2(SATB2):c.846C>T (p.Ile282=)

Gene: SATB2 (SATB homeobox 2; minus strand). Cytogenetic location: 2q33.1.
Variant type: single nucleotide variant.
Coding change: c.846C>T on transcript NM_001172509.2 (MANE Select); coding-DNA position 846, C replaced by T.
Protein change: p.Ile282=; no amino-acid change (isoleucine 282 retained).
Molecular consequence: synonymous variant.
Genome position (GRCh38, 1-based): chr2:199,349,028, G>A on the plus strand (C>T on the coding strand, the complement: SATB2 is on the minus strand). VCF-style: chr2-199349028-G-A. GRCh37 (hg19) VCF-style: chr2-200213751-G-A.
Other names: c.846C>T, p.Ile282= (NM_001172517.1, NM_015265.4).
Identifiers: ClinVar variation 1145384 (VCV001145384.12), dbSNP rs373578751, ClinGen allele CA2045998.